The following is an entry in ClinVar:

NM_198252.3(GSN):c.-9-2013C>A

Gene: GSN (gelsolin; plus strand). Cytogenetic location: 9q33.2.
Variant type: single nucleotide variant.
Coding change: c.-9-2013C>A on transcript NM_198252.3 (MANE Select); 2013 bases into the intron before 9 bases upstream of the start codon, C replaced by A.
Molecular consequence: intron variant. On other transcripts: missense variant (1).
Genome position (GRCh38, 1-based): chr9:121,299,950, C>A. VCF-style: chr9-121299950-C-A. GRCh37 (hg19) VCF-style: chr9-124062228-C-A.
Other names: c.89C>A, p.Ala30Glu (NM_000177.5); c.-9-2013C>A (NM_001353054.1, NM_001353053.1, NM_001353060.2 and 5 more transcripts); c.-47-106C>A (NM_001353064.2, NM_001353066.2, NM_001353072.2 and 8 more transcripts); c.-1-2021C>A (NM_001353058.2, NM_001353059.2, NM_001353056.2 and 1 more transcripts); c.-38-115C>A (NM_001353073.2, NM_001353065.2, NM_001353068.2 and 2 more transcripts); c.100-2013C>A (NM_001127663.2); c.-32-121C>A (NM_001353070.2); c.-48-1974C>A (NM_001353055.2); and 3 more; short protein forms A30E.
Identifiers: ClinVar variation 3660955 (VCV003660955.2).

ClinVar aggregate classification (germline): Uncertain significance (1 of 4 stars; one submission).

Submission:

Labcorp Genetics (formerly Invitae), Labcorp
Classification: Uncertain significance. Last evaluated: 2024-08-06. Review status: criteria provided, single submitter. Criteria: Invitae Variant Classification Sherloc (09022015). Collection method: clinical testing. Allele origin: germline.
Comment: This sequence change replaces alanine, which is neutral and non-polar, with glutamic acid, which is acidic and polar, at codon 30 of the GSN protein (p.Ala30Glu). This variant is not present in population databases (gnomAD no frequency). This variant has not been reported in the literature in individuals affected with GSN-related conditions. An algorithm developed to predict the effect of missense changes on protein structure and function outputs the following: PolyPhen-2: "Benign". The glutamic acid amino acid residue is found in multiple mammalian species, which suggests that this missense change does not adversely affect protein function. In summary, the available evidence is currently insufficient to determine the role of this variant in disease. Therefore, it has been classified as a Variant of Uncertain Significance.